The following is an entry in ClinVar:

ClinVar aggregate classification (germline): Pathogenic/Likely pathogenic. Review status: criteria provided, multiple submitters, no conflicts (2 of 4 stars). 42 submissions from 41 submitters: Pathogenic (37); Likely pathogenic (2). 3 of the submissions do not count toward it. Last evaluated 2026-08-01.
ClinVar aggregate classification (somatic clinical impact): Tier I - Strong (1 of 4 stars; one submission).
ClinVar aggregate classification (oncogenicity): Oncogenic (1 of 4 stars; one submission).

Conditions:
NF1-related disorder. Also called: NF1-related condition. Identifiers: MedGen CN379171.
Cardiovascular phenotype. Identifiers: MedGen CN230736.
Hereditary cancer-predisposing syndrome. Also called: Neoplastic Syndromes, Hereditary; Tumor predisposition; Hereditary Cancer Syndrome; Hereditary neoplastic syndrome. Identifiers: Orphanet 140162, MedGen C0027672, MeSH D009386, MONDO:0015356.
Café-au-lait macules with pulmonary stenosis (WTSN). Also called: PULMONIC STENOSIS WITH CAFE-AU-LAIT SPOTS. Identifiers: MedGen C0553586, MONDO:0008672, OMIM 193520.
Juvenile myelomonocytic leukemia (JMML). Also called: LEUKEMIA, JUVENILE MYELOMONOCYTIC, SOMATIC. Identifiers: Orphanet 86834, MedGen C0349639, MONDO:0011908, OMIM 607785, HP:0012209.
Neurofibromatosis, familial spinal (FSNF). Identifiers: Orphanet 636, MedGen C1834235, MONDO:0008078, OMIM 162210. Disease mechanism: loss of function.
Neurofibromatosis-Noonan syndrome (NFNS). Also called: NEUROFIBROMATOSIS WITH NOONAN PHENOTYPE. Identifiers: Orphanet 638, MedGen C2931482, MONDO:0011035, OMIM 601321. Disease mechanism: loss of function.
Neurofibromatosis, type 1 (NF1). Also called: VON RECKLINGHAUSEN DISEASE; Peripheral type neurofibromatosis; NEUROFIBROMATOSIS, TYPE I, SOMATIC; Neurofibromatosis, type I. Identifiers: Orphanet 636, MedGen C0027831, MONDO:0018975, OMIM 162200. Disease mechanism: loss of function.
Tibial pseudarthrosis. Identifiers: MedGen C4024216, HP:0009736.
Gastric cancer. Also called: Stomach cancer; Malignant tumor of stomach. Identifiers: MedGen C0024623, MeSH D013274, MONDO:0001056, OMIM 613659, HP:0012126.
Abnormality of the skin. Identifiers: MedGen C5848159, HP:0000951.
Subcutaneous neurofibroma. Also called: Subcutaneous neurofibromas. Identifiers: MedGen C1827970, HP:0100698.
Cafe au lait spots, multiple. Also called: Neurofibromatosis type 6. Identifiers: Orphanet 2678, MedGen C1861975, MONDO:0007245, OMIM 114030, HP:0007565. Disease mechanism: loss of function.
Thoracic scoliosis. Identifiers: MedGen C1857790, HP:0002943.
Giant cell glioblastoma. Identifiers: Orphanet 251579, MedGen C0334588, MONDO:0016682.
Neoplasm. Also called: tumor; Neoplasms; Neoplasm (disease). Identifiers: MedGen C0027651, MeSH D009369, MONDO:0005070, HP:0002664.

Allele frequency attached by ClinVar (database versions not stated): gnomAD exomes below 0.00001 and 0.00001; ExAC 0.00001; gnomAD 0.00001.
gnomAD v4.1: 3 of 1,611,954 alleles (0.00019%); highest among the groups gnomAD compares: Admixed American, 0.0017%; no homozygotes.

Submissions 1 to 9 of 44:

CeGaT Center for Human Genetics Tuebingen
Classification: Pathogenic. Last evaluated: 2026-08-01. Review status: criteria provided, single submitter. Criteria: CeGaT Center For Human Genetics Tuebingen Variant Classification Criteria Version 2. Collection method: clinical testing. Allele origin: germline. Affected: yes. Observed: 3 variant alleles.
Comment: NF1: PVS1, PM6, PS4:Moderate, PM2:Supporting

Labcorp Genetics (formerly Invitae), Labcorp
Classification: Pathogenic for Neurofibromatosis, type 1. Last evaluated: 2026-01-28. Review status: criteria provided, single submitter. Criteria: Invitae Variant Classification Sherloc (09022015). Collection method: clinical testing. Allele origin: germline.
Comment: This sequence change creates a premature translational stop signal (p.Arg1513*) in the NF1 gene. It is expected to result in an absent or disrupted protein product. Loss-of-function variants in NF1 are known to be pathogenic (PMID: 10712197, 23913538). This variant is present in population databases (rs760703505, gnomAD 0.003%). This premature translational stop signal has been observed in individual(s) with neurofibromatosis type 1 (PMID: 9180088, 10712197, 16479075, 21354044, 23668869, 26969325). Invitae Evidence Modeling of clinical and family history, age, sex, and reported ancestry of multiple individuals with this NF1 variant has been performed. This variant is expected to be pathogenic with a positive predictive value of at least 99%. This is a validated machine learning model that incorporates the clinical features of 1,785,918 individuals referred to our laboratory for NF1 testing. ClinVar contains an entry for this variant (Variation ID: 220152). RNA analysis performed to evaluate the impact of this premature translational stop signal on mRNA splicing indicates it does not significantly alter splicing (internal data). For these reasons, this variant has been classified as Pathogenic.

Medical and Scientific Branch, Hong Kong Genome Institute
Classification: Pathogenic for Neurofibromatosis, type 1. Last evaluated: 2026-01-26. Review status: criteria provided, single submitter. Criteria: ACMG Guidelines, 2015. Collection method: clinical testing. Allele origin: unknown. Affected: yes.

Dasa
Classification: Pathogenic. Last evaluated: 2026-01-09. Review status: criteria provided, single submitter. Criteria: DASA Assertion Criteria. Collection method: clinical testing. Allele origin: germline.
Comment: NM_001042492.3(NF1):c.4600C>T (p.Arg1534Ter) introduces a premature termination codon predicted to result in loss of normal protein function. Loss-of-function is an established mechanism of disease for this gene. This variant has been recurrently observed in individuals with related phenotype (PMID: 9180088; PMID: 10712197; PMID: 16479075; PMID: 21354044; PMID: 23668869). Segregation evidence has been reported in affected families. The variant is present at low frequency in population datasets. Based on the available data, this variant is classified as pathogenic.

3billion
Classification: Pathogenic for Neurofibromatosis, type 1. Last evaluated: 2026-01-07. Review status: criteria provided, single submitter. Criteria: ACMG Guidelines, 2015. Collection method: clinical testing. Allele origin: germline. Affected: yes.
Comment: The variant is observed at an extremely low frequency in the gnomAD v4.1.0 dataset (total allele frequency: <0.001%). Predicted Consequence/Location: Stop-gained (nonsense): predicted to result in a loss or disruption of normal protein function through nonsense-mediated decay (NMD) or protein truncation. Multiple pathogenic variants are reported downstream of the variant. The variant has been reported at least twice as pathogenic with clinical assertions and evidence for the classification (ClinVar ID: VCV000220152 /PMID: 9180088 /3billion dataset). Therefore, this variant is classified as Pathogenic according to the recommendation of ACMG/AMP guideline.

Center for Genomic Medicine, Rigshospitalet, Copenhagen University Hospital
Classification: Oncogenic for Neoplasm. Last evaluated: 2025-12-29. Review status: criteria provided, single submitter. Criteria: ClinGen/CGC/VICC Guidelines for Oncogenicity, 2022. Collection method: clinical testing. Allele origin: somatic. Affected: yes.

Institute of Human Genetics, University of Leipzig Medical Center
Classification: Pathogenic for Neurofibromatosis, type 1. Last evaluated: 2025-12-23. Review status: criteria provided, single submitter. Criteria: ACMG Guidelines, 2015. Collection method: clinical testing. Allele origin: unknown. Inheritance: Autosomal dominant inheritance. Affected: yes.
Comment: Criteria applied: PVS1,PS2,PS4,PM2_SUP,PP4

Ambry Genetics
Classification: Pathogenic for Cardiovascular phenotype; Hereditary cancer-predisposing syndrome. Last evaluated: 2025-10-28. Review status: criteria provided, single submitter. Criteria: Ambry Variant Classification Scheme 2023. Collection method: clinical testing. Allele origin: germline.
Comment: The c.4537C>T (p.R1513*) alteration, located in exon 34 (coding exon 34) of the NF1 gene, consists of a C to T substitution at nucleotide position 4537. This changes the amino acid from an arginine (R) to a stop codon at amino acid position 1513. This alteration is expected to result in loss of function by premature protein truncation or nonsense-mediated mRNA decay. Based on data from gnomAD, the T allele has an overall frequency of 0.001% (2/251346) total alleles studied. The highest observed frequency was 0.003% (1/34584) of Latino alleles. This variant was reported in multiple individuals with features consistent with neurofibromatosis type 1 (Side, 1997; Fahsold, 2000; Kluwe, 2003; Jeong, 2006; Ko, 2013; Hutter, 2016; Frayling, 2019; Kang, 2020; Ambry internal data). Based on the available evidence, this alteration is classified as pathogenic.

Institute for Genomic Medicine (IGM) Clinical Laboratory, Nationwide Children's Hospital
Classification: Pathogenic for Neurofibromatosis, type 1. Last evaluated: 2025-10-10. Review status: criteria provided, single submitter. Criteria: ACMG Guidelines, 2015. Collection method: clinical testing. Allele origin: germline.
Comment: This variant is predicted to result in loss of function through nonsense-mediated decay of the encoded transcript or premature truncation of the encoded protein in a gene in which loss of function is a known mechanism of disease (ACMG/AMP: PVS1). This variant has been reported at an elevated frequency in affected individuals/in multiple affected individuals in the literature (ACMG/AMP: PS4; PMIDs:9180088, 10712197, 16479075, 21354044, 23668869). This variant is absent from or present at an exceedingly low frequency in gnomAD, a large-scale control population database (ACMG/AMP: PM2).

NM_001042492.3(NF1):c.4600C>T (p.Arg1534Ter)

Gene: NF1 (neurofibromin 1; plus strand). Cytogenetic location: 17q11.2.
Variant type: single nucleotide variant.
Coding change: c.4600C>T on transcript NM_001042492.3 (MANE Select); coding-DNA position 4600, C replaced by T.
Protein change: p.Arg1534Ter; replaces arginine 1534 with a stop codon.
Molecular consequence: nonsense.
Genome position (GRCh38, 1-based): chr17:31,261,733, C>T. VCF-style: chr17-31261733-C-T. GRCh37 (hg19) VCF-style: chr17-29588751-C-T.
Other names: c.4537C>T, p.Arg1513Ter (NM_000267.4); short protein forms R1534*, R1513*.
Identifiers: ClinVar variation 220152 (VCV000220152.111), dbSNP rs760703505, ClinGen allele CA350085.